The following is an entry in ClinVar:

ClinVar aggregate classification (germline): Uncertain significance. Review status: criteria provided, multiple submitters, no conflicts (2 of 4 stars). 3 submissions from 3 submitters: Uncertain significance (3). Last evaluated 2024-09-15.

Conditions:
Inborn genetic diseases. Identifiers: MedGen C0950123, MeSH D030342.
Atrial fibrillation, familial, 7 (ATFB7). Identifiers: MedGen C2677106, MONDO:0012828, OMIM 612240.

Submissions (3):

Labcorp Genetics (formerly Invitae), Labcorp
Classification: Uncertain significance for Atrial fibrillation, familial, 7. Last evaluated: 2024-09-15. Review status: criteria provided, single submitter. Criteria: Invitae Variant Classification Sherloc (09022015). Collection method: clinical testing. Allele origin: germline.
Comment: This sequence change replaces alanine, which is neutral and non-polar, with valine, which is neutral and non-polar, at codon 56 of the KCNA5 protein (p.Ala56Val). This variant is not present in population databases (gnomAD no frequency). This variant has not been reported in the literature in individuals affected with KCNA5-related conditions. ClinVar contains an entry for this variant (Variation ID: 2671706). An algorithm developed to predict the effect of missense changes on protein structure and function outputs the following: PolyPhen-2: "Benign". The valine amino acid residue is found in multiple mammalian species, which suggests that this missense change does not adversely affect protein function. In summary, the available evidence is currently insufficient to determine the role of this variant in disease. Therefore, it has been classified as a Variant of Uncertain Significance.

Ambry Genetics
Classification: Uncertain significance for Inborn genetic diseases. Last evaluated: 2024-09-01. Review status: criteria provided, single submitter. Criteria: Ambry Variant Classification Scheme 2023. Collection method: clinical testing. Allele origin: germline.

Neuberg Centre For Genomic Medicine, NCGM
Classification: Uncertain significance for Atrial fibrillation, familial, 7. Last evaluated: 2023-02-14. Review status: criteria provided, single submitter. Criteria: ACMG Guidelines, 2015. Collection method: clinical testing. Allele origin: germline. Inheritance: Autosomal dominant inheritance. Affected: yes.
Comment: The missense c.167C>T (p.Ala56Val) variant in KCNA5 gene has not been reported previously as a pathogenic variant nor as a benign variant, to our knowledge. The p.Ala56Val variant is reported with an allele frequency of 0.0007% in the gnomAD exomes database and is novel (not in any individuals) in 1000 Genomes database. This variant has not been reported to the ClinVar database. The amino acid Ala at position 56 is changed to a Val changing protein sequence and it might alter its composition and physico-chemical properties. For these reasons, this variant has been classified as a Variant of Uncertain Significance (VUS).

NM_002234.4(KCNA5):c.167C>T (p.Ala56Val)

Gene: KCNA5 (potassium voltage-gated channel subfamily A member 5; plus strand). Cytogenetic location: 12p13.32.
Variant type: single nucleotide variant.
Coding change: c.167C>T on transcript NM_002234.4 (MANE Select); coding-DNA position 167, C replaced by T.
Protein change: p.Ala56Val; replaces alanine 56 with valine.
Molecular consequence: missense variant.
Genome position (GRCh38, 1-based): chr12:5,044,314, C>T. VCF-style: chr12-5044314-C-T. GRCh37 (hg19) VCF-style: chr12-5153480-C-T.
Other names: c.167C>T (NM_002234.2); short protein forms A56V.
Identifiers: ClinVar variation 2671706 (VCV002671706.4), dbSNP rs1189244051, ClinGen allele CA383462028.